The following is an entry in ClinVar:

NM_001111067.4(ACVR1):c.1148C>T (p.Ala383Val)

Gene: ACVR1 (activin A receptor type 1; minus strand). Cytogenetic location: 2q24.1.
Variant type: single nucleotide variant.
Coding change: c.1148C>T on transcript NM_001111067.4 (MANE Select); coding-DNA position 1148, C replaced by T.
Protein change: p.Ala383Val; replaces alanine 383 with valine.
Molecular consequence: missense variant.
Genome position (GRCh38, 1-based): chr2:157,760,996, G>A on the plus strand (C>T on the coding strand, the complement: ACVR1 is on the minus strand). VCF-style: chr2-157760996-G-A. GRCh37 (hg19) VCF-style: chr2-158617508-G-A.
Other names: c.1148C>T, p.Ala383Val (NM_001105.5, NM_001347663.1, NM_001347664.1 and 3 more transcripts); short protein forms A383V.
Identifiers: ClinVar variation 4819447 (VCV004819447.1).

ClinVar aggregate classification (germline): Likely benign (1 of 4 stars; one submission).

Conditions:
Progressive myositis ossificans (FOP). Also called: Fibrodysplasia Ossificans Progressiva; Myositis ossificans progressiva; Progressive ossifying myositis. Identifiers: Orphanet 337, MedGen C0016037, MONDO:0007606, OMIM 135100.

gnomAD v4.1: 1 of 1,613,964 alleles (0.000062%); highest among the groups gnomAD compares: African/African-American, 0.0013%; no homozygotes.

Submission:

Centre for Medical Genetics,  Mumbai
Classification: Likely benign for Progressive myositis ossificans. Last evaluated: 2026-03-16. Review status: criteria provided, single submitter. Criteria: ACMG Guidelines, 2015. Collection method: provider interpretation. Allele origin: germline. Inheritance: Autosomal dominant inheritance. Affected: yes. Observed: 1 variant allele, 1 heterozygote.
Comment: The variant satisfies PM2 criteria; Extremely low frequency in gnomAD population databases. The variant satisfies PP3 criteria; For a missense or a splicing region variant, computational prediction tools unanimously support a deleterious effect on the gene. However, the variant satisfies BS2 criteria.

Literature cited by the submitters: PubMed 16642017.